The following is an entry in ClinVar:

ClinVar aggregate classification (germline): Uncertain significance (1 of 4 stars; one submission).

Conditions:
RASopathy. Also called: Noonan spectrum disorder; rasopathies. Identifiers: Orphanet 536391, MedGen C5555857, MONDO:0021060.

Submission:

Labcorp Genetics (formerly Invitae), Labcorp
Classification: Uncertain significance for RASopathy. Last evaluated: 2023-04-26. Review status: criteria provided, single submitter. Criteria: Invitae Variant Classification Sherloc (09022015). Collection method: clinical testing. Allele origin: germline.
Comment: In summary, the available evidence is currently insufficient to determine the role of this variant in disease. Therefore, it has been classified as a Variant of Uncertain Significance. Experimental studies and prediction algorithms are not available or were not evaluated, and the functional significance of this variant is currently unknown. This variant has not been reported in the literature in individuals affected with BRAF-related conditions. This variant results in a copy number gain of the genomic region encompassing exon(s) 2-18 of the BRAF gene. This region includes the termination codon of the gene. This copy number gain extends beyond the assayed region for this gene and therefore may encompass additional genes. As the precise location of this event is unknown, it may be in tandem or it may be located elsewhere in the genome.

NC_000007.13:g.(?_140434397)_(140550032_?)dup

Gene: BRAF (B-Raf proto-oncogene, serine/threonine kinase; minus strand). Cytogenetic location: 7q34.
Variant type: Duplication.
Identifiers: ClinVar variation 1483089 (VCV001483089.5).